The following is an entry in ClinVar:

NM_001365951.3(KIF1B):c.1921del (p.Arg641fs)

Gene: KIF1B (kinesin family member 1B; plus strand). Cytogenetic location: 1p36.22.
Variant type: Deletion.
Coding change: c.1921del on transcript NM_001365951.3 (MANE Select); coding-DNA position 1921, one base deleted (C; older notation c.1921delC).
Protein change: p.Arg641fs; shifts the reading frame from arginine 641.
Molecular consequence: frameshift variant.
Genome position (GRCh38, 1-based): chr1:10,296,956, C deleted. VCF-style (leftmost placement, unchanged base first): chr1-10296955-AC-A. GRCh37 (hg19) VCF-style: chr1-10357013-AC-A.
Other names: c.1921del, p.Arg641fs (NM_001365952.1); c.1783del, p.Arg595fs (NM_001365953.1, NM_015074.3, NM_183416.4); c.1783delC (NM_015074.3); short protein forms R595fs, R641fs.
Identifiers: ClinVar variation 5023208 (VCV005023208.1).

ClinVar aggregate classification (germline): Uncertain significance (1 of 4 stars; one submission).

Submission:

Ambry Genetics
Classification: Uncertain significance. Last evaluated: 2026-08-12. Review status: criteria provided, single submitter. Criteria: Ambry Variant Classification Scheme 2023. Collection method: clinical testing. Allele origin: germline.
Comment: The c.1783delC variant, located in coding exon 18 of the KIF1B gene, results from a deletion of one nucleotide at nucleotide position 1783, causing a translational frameshift with a predicted alternate stop codon (p.R595Efs*34). The evidence for this gene-disease relationship is limited; therefore, the clinical significance of this variant is unclear.